The following is an entry in ClinVar:

ClinVar aggregate classification (germline): Pathogenic. Review status: criteria provided, multiple submitters, no conflicts (2 of 4 stars). 4 submissions from 4 submitters: Pathogenic (4). Last evaluated 2025-04-17.

Conditions:
Hereditary cancer-predisposing syndrome. Also called: Hereditary Cancer Syndrome; Neoplastic Syndromes, Hereditary; Hereditary neoplastic syndrome; Tumor predisposition. Identifiers: Orphanet 140162, MedGen C0027672, MeSH D009386, MONDO:0015356.
Lynch syndrome 5 (LYNCH5). Also called: Hereditary non-polyposis colorectal cancer, type 5; Colorectal cancer, hereditary nonpolyposis, type 5. Identifiers: Orphanet 144, MedGen C1833477, MONDO:0013710, OMIM 614350. Disease mechanism: loss of function.
Hereditary nonpolyposis colorectal neoplasms. Identifiers: MedGen C0009405, MeSH D003123.
Endometrial carcinoma. Also called: Endometrial carcinoma, somatic. Identifiers: MedGen C0476089, MONDO:0002447, OMIM 608089, HP:0012114.

Allele frequency attached by ClinVar (database versions not stated): gnomAD exomes below 0.00001.

Submissions (4):

Ambry Genetics
Classification: Pathogenic for Hereditary cancer-predisposing syndrome. Last evaluated: 2025-04-17. Review status: criteria provided, single submitter. Criteria: Ambry Variant Classification Scheme 2023. Collection method: clinical testing. Allele origin: germline.
Comment: The c.1458_1459delTG pathogenic mutation, located in coding exon 4 of the MSH6 gene, results from a deletion of two nucleotides at nucleotide positions 1458 to 1459, causing a translational frameshift with a predicted alternate stop codon (p.E487Dfs*10). This mutation has been reported in a patient with microsatellite stable colon cancer (Latham A et al. J Clin Oncol, 2019 02;37:286-295). In addition to the clinical data presented in the literature, this alteration is expected to result in loss of function by premature protein truncation or nonsense-mediated mRNA decay. As such, this alteration is interpreted as a disease-causing mutation.

Labcorp Genetics (formerly Invitae), Labcorp
Classification: Pathogenic for Hereditary nonpolyposis colorectal neoplasms. Last evaluated: 2024-07-30. Review status: criteria provided, single submitter. Criteria: Invitae Variant Classification Sherloc (09022015). Collection method: clinical testing. Allele origin: germline.
Comment: This sequence change creates a premature translational stop signal (p.Glu487Aspfs*10) in the MSH6 gene. It is expected to result in an absent or disrupted protein product. Loss-of-function variants in MSH6 are known to be pathogenic (PMID: 18269114, 24362816). This variant is present in population databases (no rsID available, gnomAD 0.0009%). This variant has not been reported in the literature in individuals affected with MSH6-related conditions. ClinVar contains an entry for this variant (Variation ID: 428371). For these reasons, this variant has been classified as Pathogenic.

Baylor Genetics
Classification: Pathogenic for Endometrial carcinoma. Last evaluated: 2023-10-29. Review status: criteria provided, single submitter. Criteria: ACMG Guidelines, 2015. Collection method: clinical testing. Allele origin: unknown.

Myriad Genetics, Inc.
Classification: Pathogenic for Lynch syndrome 5. Last evaluated: 2023-08-14. Review status: criteria provided, single submitter. Criteria: Myriad Autosomal Dominant, Autosomal Recessive and X-Linked Classification Criteria (2023). Collection method: clinical testing. Allele origin: unknown.
Comment: This variant is considered pathogenic. This variant creates a frameshift predicted to result in premature protein truncation.

Literature cited by the submitters: PubMed 30376427 (cited by Ambry Genetics); PubMed 18269114 (cited by Labcorp Genetics (formerly Invitae), Labcorp); PubMed 24362816 (cited by Labcorp Genetics (formerly Invitae), Labcorp).

NM_000179.3(MSH6):c.1458_1459del (p.Glu487fs)

Gene: MSH6 (mutS homolog 6; plus strand). Cytogenetic location: 2p16.3.
Variant type: Deletion.
Coding change: c.1458_1459del on transcript NM_000179.3 (MANE Select); coding-DNA positions 1458 to 1459, 2 bases deleted (TG; older notation c.1458_1459delTG).
Protein change: p.Glu487fs; shifts the reading frame from glutamic acid 487.
Molecular consequence: frameshift variant.
Genome position (GRCh38, 1-based): chr2:47,799,441-47,799,442, TG deleted. VCF-style (leftmost placement, unchanged base first): chr2-47799440-CTG-C. GRCh37 (hg19) VCF-style: chr2-48026579-CTG-C.
Other names: c.1068_1069del, p.Glu357fs (NM_001281492.2); c.552_553del, p.Glu185fs (NM_001281493.2, NM_001281494.2); c.1458_1459delTG (NM_000179.2); short protein forms E185fs, E357fs, E487fs.
Identifiers: ClinVar variation 428371 (VCV000428371.14), dbSNP rs1114167750, ClinGen allele CA532705467.
Genomic context (GRCh38, chr2:47,799,440, plus strand): 5'-TTGGCCGTTATTCAGATTCCCTGGTGCAGAAGGGCTATAAAGTAGCACGAGTGGAACAGA[CTG>C]AGACTCCAGAAATGATGGAGGCACGATGTAGAAAGATGGCACATATATCCAAGTATGATA-3'